The following is an entry in ClinVar:

ClinVar aggregate classification (germline): Uncertain significance. Review status: criteria provided, multiple submitters, no conflicts (2 of 4 stars). 4 submissions from 4 submitters: Uncertain significance (4). Last evaluated 2025-05-25.

Conditions:
Nephronophthisis. Also called: Juvenile Nephronophthisis. Identifiers: Orphanet 655, MedGen C0687120, MONDO:0019005, HP:0000090.
Inborn genetic diseases. Identifiers: MedGen C0950123, MeSH D030342.
Nephronophthisis 4 (NPHP4). Also called: NEPHRONOPHTHISIS 4, JUVENILE. Identifiers: Orphanet 655, MedGen C1847013, MONDO:0011752, OMIM 606966.
Senior-Loken syndrome 4 (SLSN4). Identifiers: Orphanet 3156, MedGen C1846979, MONDO:0011756, OMIM 606996.

Allele frequency attached by ClinVar (database versions not stated): ExAC 0.00003; gnomAD 0.00003; TOPMed 0.00004; gnomAD exomes 0.00005; ESP Exome Variant Server 0.00008.
gnomAD v4.1: 35 of 1,606,150 alleles (0.0022%); highest among the groups gnomAD compares: Admixed American, 0.0051%; no homozygotes.

Submissions (4):

Ambry Genetics
Classification: Uncertain significance for Inborn genetic diseases. Last evaluated: 2025-05-25. Review status: criteria provided, single submitter. Criteria: Ambry Variant Classification Scheme 2023. Collection method: clinical testing. Allele origin: germline.

Fulgent Genetics
Classification: Uncertain significance for Nephronophthisis 4; Senior-Loken syndrome 4. Last evaluated: 2022-04-11. Review status: criteria provided, single submitter. Criteria: ACMG Guidelines, 2015. Collection method: clinical testing. Allele origin: unknown.

Labcorp Genetics (formerly Invitae), Labcorp
Classification: Uncertain significance for Nephronophthisis. Last evaluated: 2021-08-27. Review status: criteria provided, single submitter. Criteria: Invitae Variant Classification Sherloc (09022015). Collection method: clinical testing. Allele origin: germline.
Comment: This sequence change replaces arginine with serine at codon 1294 of the NPHP4 protein (p.Arg1294Ser). The arginine residue is highly conserved and there is a moderate physicochemical difference between arginine and serine. This variant is present in population databases (rs367814493, ExAC 0.005%). This variant has not been reported in the literature in individuals affected with NPHP4-related conditions. Algorithms developed to predict the effect of missense changes on protein structure and function are either unavailable or do not agree on the potential impact of this missense change (SIFT: "Tolerated"; PolyPhen-2: "Possibly Damaging"; Align-GVGD: "Class C0"). In summary, the available evidence is currently insufficient to determine the role of this variant in disease. Therefore, it has been classified as a Variant of Uncertain Significance.

Breakthrough Genomics
Classification: Uncertain significance. Review status: criteria provided, single submitter. Criteria: ACMG Guidelines, 2015. Collection method: not provided. Allele origin: germline. Inheritance: Autosomal recessive inheritance. Affected: yes.

NM_015102.5(NPHP4):c.3882G>T (p.Arg1294Ser)

Gene: NPHP4 (nephrocystin 4; minus strand). Cytogenetic location: 1p36.31.
Variant type: single nucleotide variant.
Coding change: c.3882G>T on transcript NM_015102.5 (MANE Select); coding-DNA position 3882, G replaced by T.
Protein change: p.Arg1294Ser; replaces arginine 1294 with serine.
Molecular consequence: missense variant. On other transcripts: non-coding transcript variant (1).
Genome position (GRCh38, 1-based): chr1:5,864,452, C>A on the plus strand (G>T on the coding strand, the complement: NPHP4 is on the minus strand). VCF-style: chr1-5864452-C-A. GRCh37 (hg19) VCF-style: chr1-5924512-C-A.
Other names: c.2343G>T, p.Arg781Ser (NM_001291593.2); c.2346G>T, p.Arg782Ser (NM_001291594.2); c.3882G>T (NM_015102.3); short protein forms R781S, R782S, R1294S.
Identifiers: ClinVar variation 969225 (VCV000969225.11), dbSNP rs367814493, ClinGen allele CA553431.
Genomic context (GRCh38, chr1:5,864,452, plus strand): 5'-CTGGTGGCAATCCACGTCCACCAGGTTGAGATGGACAAAGCGGCTGCCGGCCCTAAGGGG[C>A]CTCACGCCAACATGCAGGTCCTGCACCCCACGAGGCGGCAGCACGAAGACACCTTTGGGG-3'
Protein context (NP_055917.1, residues 1284-1304): RGVQDLHVGV[Arg1294Ser]PLRAGSRFVH